The following is an entry in ClinVar:

NM_001378615.1(CC2D2A):c.1798GAA[1] (p.Glu601del)

Genes: CC2D2A (coiled-coil and C2 domain containing 2A; plus strand), FBXL5 (F-box and leucine rich repeat protein 5; minus strand). Cytogenetic location: 4p15.32.
Variant type: Microsatellite.
Coding change: c.1798GAA[1] on transcript NM_001378615.1 (MANE Select); one copy of the 3-base unit GAA starting at c.1798; the reference has two copies in a row; one copy, 3 bases deleted.
Protein change: p.Glu601del; deletes glutamic acid 601.
Molecular consequence: inframe deletion.
Genome position (GRCh38, 1-based): chr4:15,537,935-15,537,937, GAA deleted; deleting any 3 consecutive bases within chr4:15,537,931-15,537,937 gives the same sequence; the position shown is the placement nearest the transcript's 3' end. VCF-style (leftmost placement, unchanged base first): chr4-15537930-CAGA-C. GRCh37 (hg19) VCF-style: chr4-15539553-CAGA-C.
Other names: c.1798GAA[1], p.Glu601del (NM_001080522.2); c.1651GAA[1], p.Glu552del (NM_001378617.1); short protein forms E552del, E601del.
Identifiers: ClinVar variation 1409648 (VCV001409648.6), dbSNP rs1363895451, ClinGen allele CA550187265.

ClinVar aggregate classification (germline): Uncertain significance (1 of 4 stars; one submission).

Conditions:
Joubert syndrome. Also called: JOUBERT-BOLTSHAUSER SYNDROME; Familial aplasia of the vermis. Identifiers: Orphanet 475, MedGen C5979921, MONDO:0018772.
Meckel-Gruber syndrome. Also called: DYSENCEPHALIA SPLANCHNOCYSTICA; GRUBER SYNDROME; Dysencephalia splachnocystica. Identifiers: Orphanet 564, MedGen C0265215, MONDO:0018921.

Submission:

Labcorp Genetics (formerly Invitae), Labcorp
Classification: Uncertain significance for Joubert syndrome; Meckel-Gruber syndrome. Last evaluated: 2021-11-12. Review status: criteria provided, single submitter. Criteria: Invitae Variant Classification Sherloc (09022015). Collection method: clinical testing. Allele origin: germline.
Comment: Experimental studies and prediction algorithms are not available or were not evaluated, and the functional significance of this variant is currently unknown. In summary, the available evidence is currently insufficient to determine the role of this variant in disease. Therefore, it has been classified as a Variant of Uncertain Significance. This variant has not been reported in the literature in individuals affected with CC2D2A-related conditions. This variant is present in population databases (no rsID available, gnomAD 0.003%). This variant, c.1801_1803del, results in the deletion of 1 amino acid(s) of the CC2D2A protein (p.Glu601del), but otherwise preserves the integrity of the reading frame.